The following is an entry in ClinVar:

ClinVar aggregate classification (germline): Likely benign (0 of 4 stars; one submission).

Conditions:
NCAPD2-related disorder. Also called: NCAPD2-related condition.

Allele frequency attached by ClinVar (database versions not stated): gnomAD 0.00017; ESP Exome Variant Server 0.00023; TOPMed 0.00026.
gnomAD v4.1: 116 of 1,613,740 alleles (0.0072%); highest among the groups gnomAD compares: African/African-American, 0.077%; no homozygotes.

Submission:

PreventionGenetics, part of Exact Sciences
Classification: Likely benign for NCAPD2-related condition. Last evaluated: 2019-04-02. Review status: no assertion criteria provided. Collection method: clinical testing. Allele origin: germline.
Comment: This variant is classified as likely benign based on ACMG/AMP sequence variant interpretation guidelines (Richards et al. 2015 PMID: 25741868, with internal and published modifications).

NM_014865.4(NCAPD2):c.3336G>A (p.Ala1112=)

Gene: NCAPD2 (non-SMC condensin I complex subunit D2; plus strand). Cytogenetic location: 12p13.31.
Variant type: single nucleotide variant.
Coding change: c.3336G>A on transcript NM_014865.4 (MANE Select); coding-DNA position 3336, G replaced by A.
Protein change: p.Ala1112=; no amino-acid change (alanine 1112 retained).
Molecular consequence: synonymous variant.
Genome position (GRCh38, 1-based): chr12:6,528,715, G>A. VCF-style: chr12-6528715-G-A. GRCh37 (hg19) VCF-style: chr12-6637881-G-A.
Identifiers: ClinVar variation 3057598 (VCV003057598.2), dbSNP rs149244253, ClinGen allele CA6409042.
Genomic context (GRCh38, chr12:6,528,715, plus strand): 5'-CATGACCCGCAATTCCATTCCTAGTCTCCGGGACCCTGCTCAGCAAGTGCGGAAAACAGC[G>A]GGGCTGGTGATGACCCACCTGATCCTCAAGGACATGGTGAAGGTGAAGGGGCAGGTCAGC-3'
Protein context (NP_055680.3, residues 1102-1122): RDPAQQVRKT[Ala1112=]GLVMTHLILK